The following is an entry in ClinVar:

NM_007294.4(BRCA1):c.2543A>G (p.Glu848Gly)

Gene: BRCA1 (BRCA1 DNA repair associated; minus strand). Cytogenetic location: 17q21.31.
Variant type: single nucleotide variant.
Coding change: c.2543A>G on transcript NM_007294.4 (MANE Select); coding-DNA position 2543, A replaced by G.
Protein change: p.Glu848Gly; replaces glutamic acid 848 with glycine.
Molecular consequence: missense variant. On other transcripts: intron variant (137).
Genome position (GRCh38, 1-based): chr17:43,092,988, T>C on the plus strand (A>G on the coding strand, the complement: BRCA1 is on the minus strand). VCF-style: chr17-43092988-T-C. GRCh37 (hg19) VCF-style: chr17-41245005-T-C.
Other names: c.523+1756A>G (NM_001408499.1, NM_001408501.1, NM_001408500.1 and 3 more transcripts); c.671-1956A>G (NM_001408422.1, NM_001408418.1, NM_001408423.1 and 2 more transcripts); c.2543A>G, p.Glu848Gly (NM_001407581.1, NM_001407582.1, NM_001407583.1 and 30 more transcripts); c.2540A>G, p.Glu847Gly (NM_001407587.1, NM_001407590.1, NM_001407591.1 and 22 more transcripts); c.661+1756A>G (NM_001408434.1, NM_001408450.1, NM_001408447.1 and 6 more transcripts); c.784+1756A>G (NM_001408398.1, NM_001407992.1, NM_001408400.1 and 13 more transcripts); c.664+1756A>G (NM_001408440.1, NM_001408428.1, NM_001408441.1 and 12 more transcripts); c.706+1756A>G (NM_001408416.1, NM_001408413.1); and 41 more; short protein forms E801G, E848G, E552G, E800G, E845G, E847G, E721G, E778G.
Identifiers: ClinVar variation 646251 (VCV000646251.12), dbSNP rs1597869343, ClinGen allele CA10596909.
Genomic context (GRCh38, chr17:43,092,988, plus strand): 5'-GACTGGCGCTTTGAAACCTTGAATGTATTCTGCAAATACTGAGCATCAAGTTCACTTTCT[T>C]CCATTTCTATGCTTGTTTCCCGACTGTGGTTAACTTCATGTCCCAATGGATACTTAAAGC-3'
Protein context (NP_009225.1, residues 838-858): NHSRETSIEM[Glu848Gly]ESELDAQYLQ

ClinVar aggregate classification (germline): Conflicting classifications of pathogenicity. Review status: criteria provided, conflicting classifications (1 of 4 stars). 2 submissions from 2 submitters: Uncertain significance (1); Likely benign (1). Last evaluated 2023-03-23.

Conditions:
Hereditary cancer-predisposing syndrome. Also called: Hereditary Cancer Syndrome; Tumor predisposition; Hereditary neoplastic syndrome; Neoplastic Syndromes, Hereditary. Identifiers: Orphanet 140162, MedGen C0027672, MeSH D009386, MONDO:0015356.
Hereditary breast ovarian cancer syndrome. Also called: Hereditary breast and ovarian cancer; Hereditary breast and ovarian cancer syndrome; BRCA1- and BRCA2-Associated Hereditary Breast and Ovarian Cancer; Hereditary breast and ovarian cancer syndrome (HBOC); Breast and ovarian cancer; Hereditary breast and/or ovarian cancer syndrome. Identifiers: Orphanet 145, MedGen C0677776, MeSH D061325, MONDO:0003582. Disease mechanism: loss of function.

Submissions (2):

University of Washington Department of Laboratory Medicine, University of Washington
Classification: Likely benign for Hereditary cancer-predisposing syndrome. Last evaluated: 2023-03-23. Review status: criteria provided, single submitter. Criteria: Dines et al. (Genet Med. 2020). Collection method: curation. Allele origin: germline.
Comment: Missense variant in a coldspot region where missense variants are very unlikely to be pathogenic (PMID:31911673).

BRCA1 coldspot (exon 11 using historical exon numbering). Reclassification based on statistical prior probability

Labcorp Genetics (formerly Invitae), Labcorp
Classification: Uncertain significance for Hereditary breast ovarian cancer syndrome. Last evaluated: 2023-02-22. Review status: criteria provided, single submitter. Criteria: Invitae Variant Classification Sherloc (09022015). Collection method: clinical testing. Allele origin: germline.
Comment: This sequence change replaces glutamic acid, which is acidic and polar, with glycine, which is neutral and non-polar, at codon 848 of the BRCA1 protein (p.Glu848Gly). This variant is not present in population databases (gnomAD no frequency). This variant has not been reported in the literature in individuals affected with BRCA1-related conditions. ClinVar contains an entry for this variant (Variation ID: 646251). Advanced modeling of protein sequence and biophysical properties (such as structural, functional, and spatial information, amino acid conservation, physicochemical variation, residue mobility, and thermodynamic stability) performed at Invitae indicates that this missense variant is not expected to disrupt BRCA1 protein function. In summary, the available evidence is currently insufficient to determine the role of this variant in disease. Therefore, it has been classified as a Variant of Uncertain Significance.